The following is an entry in ClinVar:

NM_173689.7(CRB2):c.1396C>T (p.Arg466Cys)

Gene: CRB2 (crumbs cell polarity complex component 2; plus strand). Cytogenetic location: 9q33.3.
Variant type: single nucleotide variant.
Coding change: c.1396C>T on transcript NM_173689.7 (MANE Select); coding-DNA position 1396, C replaced by T.
Protein change: p.Arg466Cys; replaces arginine 466 with cysteine.
Molecular consequence: missense variant. On other transcripts: non-coding transcript variant (1).
Genome position (GRCh38, 1-based): chr9:123,370,449, C>T. VCF-style: chr9-123370449-C-T. GRCh37 (hg19) VCF-style: chr9-126132728-C-T.
Other names: c.1396C>T (NM_173689.5, NM_173689.6); short protein forms R466C.
Identifiers: ClinVar variation 3068259 (VCV003068259.4), dbSNP rs138891622, ClinGen allele CA5231965.

ClinVar aggregate classification (germline): Uncertain significance. Review status: criteria provided, multiple submitters, no conflicts (2 of 4 stars). 4 submissions from 4 submitters: Uncertain significance (4). Last evaluated 2026-06-01.

Conditions:
Inborn genetic diseases. Identifiers: MedGen C0950123, MeSH D030342.
Focal segmental glomerulosclerosis 9 (FSGS9). Identifiers: Orphanet 656, MedGen C4015555, MONDO:0014539, OMIM 616220.

Allele frequency attached by ClinVar (database versions not stated): ExAC 0.00003; gnomAD exomes 0.00003; TOPMed 0.00003; gnomAD 0.00004; ESP Exome Variant Server 0.00008.
gnomAD v4.1: 53 of 1,613,408 alleles (0.0033%); highest among the groups gnomAD compares: Middle Eastern, 0.016%; 1 homozygote.

Submissions (4):

GeneDx
Classification: Uncertain significance. Last evaluated: 2026-06-01. Review status: criteria provided, single submitter. Criteria: GeneDx Variant Classification Process June 2021. Collection method: clinical testing. Allele origin: germline.
Comment: In silico analysis supports that this missense variant has a deleterious effect on protein structure/function; Has not been previously published as pathogenic or benign to our knowledge

Ambry Genetics
Classification: Uncertain significance for Inborn genetic diseases. Last evaluated: 2024-05-30. Review status: criteria provided, single submitter. Criteria: Ambry Variant Classification Scheme 2023. Collection method: clinical testing. Allele origin: germline.

Blueprint Genetics
Classification: Uncertain significance. Last evaluated: 2024-05-07. Review status: criteria provided, single submitter. Criteria: ACMG Guidelines, 2015. Collection method: clinical testing. Allele origin: germline.

Genomic Medicine Center of Excellence, King Faisal Specialist Hospital and Research Centre
Classification: Uncertain significance for Focal segmental glomerulosclerosis 9. Last evaluated: 2024-04-04. Review status: criteria provided, single submitter. Criteria: ACMG Guidelines, 2015. Collection method: clinical testing. Allele origin: germline.